The following is an entry in ClinVar:

ClinVar aggregate classification (germline): Uncertain significance. Review status: criteria provided, multiple submitters, no conflicts (2 of 4 stars). 4 submissions from 4 submitters: Uncertain significance (4). Last evaluated 2025-10-01.

Conditions:
Hereditary cancer-predisposing syndrome. Also called: Hereditary Cancer Syndrome; Neoplastic Syndromes, Hereditary; Tumor predisposition; Hereditary neoplastic syndrome. Identifiers: Orphanet 140162, MedGen C0027672, MeSH D009386, MONDO:0015356.
BARD1-related cancer predisposition. Identifiers: MedGen CN377756, MONDO:0700267.
Familial cancer of breast. Also called: Hereditary breast cancer; BREAST CANCER, FAMILIAL; hereditary breast carcinoma. Identifiers: Orphanet 227535, MedGen C0346153, MONDO:0016419, OMIM 114480. Disease mechanism: loss of function.

Submissions (4):

Labcorp Genetics (formerly Invitae), Labcorp
Classification: Uncertain significance for Familial cancer of breast. Last evaluated: 2025-10-01. Review status: criteria provided, single submitter. Criteria: Invitae Variant Classification Sherloc (09022015). Collection method: clinical testing. Allele origin: germline.
Comment: This sequence change replaces glycine, which is neutral and non-polar, with aspartic acid, which is acidic and polar, at codon 698 of the BARD1 protein (p.Gly698Asp). This variant is not present in population databases (gnomAD no frequency). This variant has not been reported in the literature in individuals affected with BARD1-related conditions. ClinVar contains an entry for this variant (Variation ID: 490953). An algorithm developed to predict the effect of missense changes on protein structure and function (PolyPhen-2) suggests that this variant is likely to be disruptive. Experimental studies have shown that this missense change affects BARD1 function (PMID: 30925164). In summary, the available evidence is currently insufficient to determine the role of this variant in disease. Therefore, it has been classified as a Variant of Uncertain Significance.

Ambry Genetics
Classification: Uncertain significance for Hereditary cancer-predisposing syndrome. Last evaluated: 2024-11-25. Review status: criteria provided, single submitter. Criteria: Ambry Variant Classification Scheme 2023. Collection method: clinical testing. Allele origin: germline.
Comment: The p.G698D variant (also known as c.2093G>A), located in coding exon 11 of the BARD1 gene, results from a G to A substitution at nucleotide position 2093. The glycine at codon 698 is replaced by aspartic acid, an amino acid with similar properties. This alteration was found to be non functional in a homology-directed DNA repair (HDR) assay (Adamovich AI et al. PLoS Genet, 2019 Mar;15:e1008049). This amino acid position is poorly conserved in available vertebrate species. In addition, this alteration is predicted to be tolerated by in silico analysis. Based on the available evidence, the clinical significance of this variant remains unclear.

Department of Pathology and Laboratory Medicine, Sinai Health System
Classification: Uncertain significance for BARD1-related cancer predisposition. Last evaluated: 2023-09-26. Review status: criteria provided, single submitter. Criteria: ACMG Guidelines, 2015. Collection method: clinical testing. Allele origin: germline. Affected: yes.

Color Diagnostics, LLC DBA Color Health
Classification: Uncertain significance for Hereditary cancer-predisposing syndrome. Last evaluated: 2019-03-19. Review status: criteria provided, single submitter. Criteria: ACMG Guidelines, 2015. Collection method: clinical testing. Allele origin: germline.

Literature cited by the submitters: PubMed 30925164 (cited by 3 submitters).

NM_000465.4(BARD1):c.2093G>A (p.Gly698Asp)

Gene: BARD1 (BRCA1 associated RING domain 1; minus strand). Cytogenetic location: 2q35.
Variant type: single nucleotide variant.
Coding change: c.2093G>A on transcript NM_000465.4 (MANE Select); coding-DNA position 2093, G replaced by A.
Protein change: p.Gly698Asp; replaces glycine 698 with aspartic acid.
Molecular consequence: missense variant. On other transcripts: non-coding transcript variant (3).
Genome position (GRCh38, 1-based): chr2:214,728,917, C>T on the plus strand (G>A on the coding strand, the complement: BARD1 is on the minus strand). VCF-style: chr2-214728917-C-T. GRCh37 (hg19) VCF-style: chr2-215593641-C-T.
Other names: c.2036G>A, p.Gly679Asp (NM_001282543.2); c.740G>A, p.Gly247Asp (NM_001282545.2); c.683G>A, p.Gly228Asp (NM_001282548.2); c.554G>A, p.Gly185Asp (NM_001282549.2); c.2093G>A (NM_000465.2); short protein forms G698D, G185D, G247D, G228D, G679D.
Identifiers: ClinVar variation 490953 (VCV000490953.16), dbSNP rs1553612188, ClinGen allele CA350450634.
Genomic context (GRCh38, chr2:214,728,917, plus strand): 5'-TTGATGGTCTGAGTCACGTCACTGTCTGGCTTGGGCTTTCTACTGAGGATCTGGCCCCCA[C>T]CTGCAGTGACGAGCTTAATAAGGTTGTCCTTTGGATGGTGTTTGAAGGTTCCCCACAAAT-3'
Protein context (NP_000456.2, residues 688-708): KDNLIKLVTA[Gly698Asp]GGQILSRKPK